The following is an entry in ClinVar:

ClinVar aggregate classification (germline): Uncertain significance (1 of 4 stars; one submission).

Allele frequency attached by ClinVar (database versions not stated): gnomAD exomes below 0.00001.
gnomAD v4.1: 1 of 1,550,308 alleles (0.000065%); highest among the groups gnomAD compares: Non-Finnish European, 0.000087%; no homozygotes.

Submission:

Labcorp Genetics (formerly Invitae), Labcorp
Classification: Uncertain significance. Last evaluated: 2022-04-10. Review status: criteria provided, single submitter. Criteria: Invitae Variant Classification Sherloc (09022015). Collection method: clinical testing. Allele origin: germline.
Comment: This sequence change replaces glutamic acid, which is acidic and polar, with lysine, which is basic and polar, at codon 2350 of the ZNF469 protein (p.Glu2350Lys). This variant is present in population databases (no rsID available, gnomAD 0.002%). This variant has not been reported in the literature in individuals affected with ZNF469-related conditions. Algorithms developed to predict the effect of missense changes on protein structure and function (SIFT, PolyPhen-2, Align-GVGD) all suggest that this variant is likely to be tolerated. In summary, the available evidence is currently insufficient to determine the role of this variant in disease. Therefore, it has been classified as a Variant of Uncertain Significance.

NM_001367624.2(ZNF469):c.7132G>A (p.Glu2378Lys)

Gene: ZNF469 (zinc finger protein 469; plus strand). Cytogenetic location: 16q24.2.
Variant type: single nucleotide variant.
Coding change: c.7132G>A on transcript NM_001367624.2 (MANE Select); coding-DNA position 7132, G replaced by A.
Protein change: p.Glu2378Lys; replaces glutamic acid 2378 with lysine.
Molecular consequence: missense variant.
Genome position (GRCh38, 1-based): chr16:88,434,602, G>A. VCF-style: chr16-88434602-G-A. GRCh37 (hg19) VCF-style: chr16-88501010-G-A.
Other names: short protein forms E2378K.
Identifiers: ClinVar variation 2124431 (VCV002124431.4), dbSNP rs1236494559, ClinGen allele CA397108607.
Genomic context (GRCh38, chr16:88,434,602, plus strand): 5'-GCAGGGCCGGACTCCCCCGCCTGCCTGGAAGGTGAGATGGGGACCAGCAGCAAGGAGCCG[G>A]AGGACCCAGGGACCCCTGAGACCGGGCGCTCTGGTGCTACCAAGATGCCCAGGGTCACCT-3'
Protein context (NP_001354553.1, residues 2368-2388): GEMGTSSKEP[Glu2378Lys]DPGTPETGRS